The following is an entry in ClinVar:

ClinVar aggregate classification (germline): Likely benign. Review status: criteria provided, single submitter (1 of 4 stars). 2 submissions from 2 submitters: Likely benign (1). 1 of the submissions does not count toward it. Last evaluated 2022-10-06.

Conditions:
Inborn genetic diseases. Identifiers: MedGen C0950123, MeSH D030342.
ZNF462-related disorder. Also called: ZNF462-related condition; ZNF462 related disease.

Allele frequency attached by ClinVar (database versions not stated): ESP Exome Variant Server 0.00015; ExAC 0.00020; TOPMed 0.00028; gnomAD 0.00030; gnomAD exomes 0.00066.
gnomAD v4.1: 1,020 of 1,611,944 alleles (0.063%); highest among the groups gnomAD compares: Non-Finnish European, 0.081%; 1 homozygote.

Submissions (2):

Ambry Genetics
Classification: Likely benign for Inborn genetic diseases. Last evaluated: 2022-10-06. Review status: criteria provided, single submitter. Criteria: Ambry Variant Classification Scheme 2023. Collection method: clinical testing. Allele origin: germline.

PreventionGenetics, part of Exact Sciences
Classification: Likely benign for ZNF462-related condition. Last evaluated: 2024-02-06. Review status: no assertion criteria provided. Collection method: clinical testing. Allele origin: germline. Not counted in ClinVar's aggregate classification.
Comment: This variant is classified as likely benign based on ACMG/AMP sequence variant interpretation guidelines (Richards et al. 2015 PMID: 25741868, with internal and published modifications).

NM_021224.6(ZNF462):c.7050G>C (p.Glu2350Asp)

Genes: ZNF462 (zinc finger protein 462; plus strand), LOC340512 (uncharacterized LOC340512; minus strand). Cytogenetic location: 9q31.2.
Variant type: single nucleotide variant.
Coding change: c.7050G>C on transcript NM_021224.6 (MANE Select); coding-DNA position 7050, G replaced by C.
Protein change: p.Glu2350Asp; replaces glutamic acid 2350 with aspartic acid.
Molecular consequence: missense variant.
Genome position (GRCh38, 1-based): chr9:106,984,403, G>C. VCF-style: chr9-106984403-G-C. GRCh37 (hg19) VCF-style: chr9-109746684-G-C.
Other names: c.4455G>C, p.Glu1485Asp (NM_001347997.2); c.7050G>C (NM_021224.5); short protein forms E2350D, E1485D.
Identifiers: ClinVar variation 2367663 (VCV002367663.4), dbSNP rs201281460, ClinGen allele CA5172392.